The following is an entry in ClinVar:

ClinVar aggregate classification (germline): Likely benign. Review status: criteria provided, multiple submitters, no conflicts (2 of 4 stars). 2 submissions from 2 submitters: Likely benign (2). Last evaluated 2026-01-19.

Allele frequency attached by ClinVar (database versions not stated): 1000 Genomes Project 30x 0.00016; 1000 Genomes Project 0.00020; ExAC 0.00022; gnomAD exomes 0.00023 and 0.00057; TOPMed 0.00026; gnomAD 0.00029 and 0.00031; ESP Exome Variant Server 0.00032.
gnomAD v4.1: 870 of 1,613,816 alleles (0.054%); highest among the groups gnomAD compares: Non-Finnish European, 0.07%; no homozygotes.

Submissions (2):

Labcorp Genetics (formerly Invitae), Labcorp
Classification: Likely benign. Last evaluated: 2026-01-19. Review status: criteria provided, single submitter. Criteria: Invitae Variant Classification Sherloc (09022015). Collection method: clinical testing. Allele origin: germline.

CeGaT Center for Human Genetics Tuebingen
Classification: Likely benign. Last evaluated: 2025-08-01. Review status: criteria provided, single submitter. Criteria: CeGaT Center For Human Genetics Tuebingen Variant Classification Criteria Version 2. Collection method: clinical testing. Allele origin: germline. Affected: yes. Observed: 4 variant alleles.
Comment: VPS11: BP4, BP7

NM_021729.6(VPS11):c.2316G>A (p.Arg772=)

Gene: VPS11 (VPS11 core subunit of CORVET and HOPS complexes; plus strand). Cytogenetic location: 11q23.3.
Variant type: single nucleotide variant.
Coding change: c.2316G>A on transcript NM_021729.6 (MANE Select); coding-DNA position 2316, G replaced by A.
Protein change: p.Arg772=; no amino-acid change (arginine 772 retained).
Molecular consequence: synonymous variant. On other transcripts: non-coding transcript variant (8).
Genome position (GRCh38, 1-based): chr11:119,079,178, G>A. VCF-style: chr11-119079178-G-A. GRCh37 (hg19) VCF-style: chr11-118949888-G-A.
Other names: c.2286G>A, p.Arg762= (NM_001290185.2); c.2328G>A, p.Arg776= (NM_001378218.1, NM_001378219.1); c.2301G>A, p.Arg767= (NM_001378220.1); c.2298G>A, p.Arg766= (NM_001378221.1).
Identifiers: ClinVar variation 1546168 (VCV001546168.37), dbSNP rs148589781, ClinGen allele CA6313682.